The following is an entry in ClinVar:

NM_182914.3(SYNE2):c.17038C>T (p.Arg5680Trp)

Gene: SYNE2 (spectrin repeat containing nuclear envelope protein 2; plus strand). Cytogenetic location: 14q23.2.
Variant type: single nucleotide variant.
Coding change: c.17038C>T on transcript NM_182914.3 (MANE Select); coding-DNA position 17038, C replaced by T.
Protein change: p.Arg5680Trp; replaces arginine 5680 with tryptophan.
Molecular consequence: missense variant.
Genome position (GRCh38, 1-based): chr14:64,170,265, C>T. VCF-style: chr14-64170265-C-T. GRCh37 (hg19) VCF-style: chr14-64636983-C-T.
Other names: c.17038C>T, p.Arg5680Trp (NM_015180.6); short protein forms R5680W.
Identifiers: ClinVar variation 470947 (VCV000470947.11), dbSNP rs143377752, ClinGen allele CA7223583.
Genomic context (GRCh38, chr14:64,170,265, plus strand): 5'-TATAACCATTTGTTTTTCCCCAGACCAGAATTTATTACAGAATTCTCAAAGCTGACGGAT[C>T]GGTGGCAGAATGCTGTCCAGGGTGTTCGGCAGAGGAAGGGTGACGTTGATGGGCTGGTGA-3'
Protein context (NP_878918.2, residues 5670-5690): FITEFSKLTD[Arg5680Trp]WQNAVQGVRQ

ClinVar aggregate classification (germline): Uncertain significance. Review status: criteria provided, multiple submitters, no conflicts (2 of 4 stars). 3 submissions from 3 submitters: Uncertain significance (3). Last evaluated 2025-10-25.

Conditions:
Emery-Dreifuss muscular dystrophy 5, autosomal dominant (EDMD5). Also called: EMERY-DREIFUSS MUSCULAR DYSTROPHY 5. Identifiers: Orphanet 261, MedGen C2751805, MONDO:0013072, OMIM 612999.

Allele frequency attached by ClinVar (database versions not stated): ExAC 0.00007; gnomAD 0.00013; TOPMed 0.00029; ESP Exome Variant Server 0.00031.
gnomAD v4.1: 99 of 1,613,958 alleles (0.0061%); highest among the groups gnomAD compares: African/African-American, 0.057%; 1 homozygote.

Submissions (3):

Ambry Genetics
Classification: Uncertain significance. Last evaluated: 2025-10-25. Review status: criteria provided, single submitter. Criteria: Ambry Variant Classification Scheme 2023. Collection method: clinical testing. Allele origin: germline.

Labcorp Genetics (formerly Invitae), Labcorp
Classification: Uncertain significance for Emery-Dreifuss muscular dystrophy 5, autosomal dominant. Last evaluated: 2025-05-16. Review status: criteria provided, single submitter. Criteria: Invitae Variant Classification Sherloc (09022015). Collection method: clinical testing. Allele origin: germline.
Comment: This sequence change replaces arginine, which is basic and polar, with tryptophan, which is neutral and slightly polar, at codon 5680 of the SYNE2 protein (p.Arg5680Trp). This variant is present in population databases (rs143377752, gnomAD 0.04%), and has an allele count higher than expected for a pathogenic variant. This variant has not been reported in the literature in individuals affected with SYNE2-related conditions. ClinVar contains an entry for this variant (Variation ID: 470947). An algorithm developed to predict the effect of missense changes on protein structure and function (PolyPhen-2) suggests that this variant is likely to be disruptive. In summary, the available evidence is currently insufficient to determine the role of this variant in disease. Therefore, it has been classified as a Variant of Uncertain Significance.

Revvity Omics, Revvity
Classification: Uncertain significance for Emery-Dreifuss muscular dystrophy 5, autosomal dominant. Last evaluated: 2019-10-09. Review status: criteria provided, single submitter. Criteria: ACMG Guidelines, 2015. Collection method: clinical testing. Allele origin: germline.